The following is an entry in ClinVar:

ClinVar aggregate classification (germline): Conflicting classifications of pathogenicity. Review status: criteria provided, conflicting classifications (1 of 4 stars). 5 submissions from 5 submitters: Uncertain significance (4); Likely benign (1). Last evaluated 2025-12-20.

Conditions:
Hereditary cancer-predisposing syndrome. Also called: Neoplastic Syndromes, Hereditary; Tumor predisposition; Hereditary Cancer Syndrome; Hereditary neoplastic syndrome. Identifiers: Orphanet 140162, MedGen C0027672, MeSH D009386, MONDO:0015356.
Familial adenomatous polyposis 1 (FAP1). Also called: FAMILIAL ADENOMATOUS POLYPOSIS 1, ATTENUATED; POLYPOSIS, ADENOMATOUS INTESTINAL. Identifiers: MedGen C2713442, MONDO:0021056, OMIM 175100. Disease mechanism: loss of function.

gnomAD v4.1: 1 of 1,613,604 alleles (0.000062%); highest among the groups gnomAD compares: Middle Eastern, 0.017%; no homozygotes.

Submissions (5):

Labcorp Genetics (formerly Invitae), Labcorp
Classification: Likely benign for Familial adenomatous polyposis 1. Last evaluated: 2025-12-20. Review status: criteria provided, single submitter. Criteria: Invitae Variant Classification Sherloc (09022015). Collection method: clinical testing. Allele origin: germline.

Center for Genomic Medicine, Rigshospitalet, Copenhagen University Hospital
Classification: Uncertain significance. Last evaluated: 2025-03-04. Review status: criteria provided, single submitter. Criteria: ACMG Guidelines, 2015. Collection method: clinical testing. Allele origin: germline.

Ambry Genetics
Classification: Uncertain significance for Hereditary cancer-predisposing syndrome. Last evaluated: 2024-11-14. Review status: criteria provided, single submitter. Criteria: Ambry Variant Classification Scheme 2023. Collection method: clinical testing. Allele origin: germline.
Comment: The p.G2360D variant (also known as c.7079G>A), located in coding exon 15 of the APC gene, results from a G to A substitution at nucleotide position 7079. The glycine at codon 2360 is replaced by aspartic acid, an amino acid with similar properties. This amino acid position is conserved. In addition, in silico predictors for this gene do not accurately predict pathogenicity. Since supporting evidence is limited at this time, the clinical significance of this alteration remains unclear.

Color Diagnostics, LLC DBA Color Health
Classification: Uncertain significance for Hereditary cancer-predisposing syndrome. Last evaluated: 2024-03-06. Review status: criteria provided, single submitter. Criteria: ACMG Guidelines, 2015. Collection method: clinical testing. Allele origin: germline.
Comment: This missense variant replaces glycine with aspartic acid at codon 2360 of the APC protein. Computational prediction suggests that this variant may not impact protein structure and function (internally defined REVEL score threshold <= 0.5, PMID: 27666373). To our knowledge, functional studies have not been reported for this variant. This variant has not been reported in individuals affected with hereditary cancer in the literature. This variant has not been identified in the general population by the Genome Aggregation Database (gnomAD). The available evidence is insufficient to determine the role of this variant in disease conclusively. Therefore, this variant is classified as a Variant of Uncertain Significance.

Baylor Genetics
Classification: Uncertain significance for Familial adenomatous polyposis 1. Last evaluated: 2023-08-01. Review status: criteria provided, single submitter. Criteria: ACMG Guidelines, 2015. Collection method: clinical testing. Allele origin: unknown.

NM_000038.6(APC):c.7079G>A (p.Gly2360Asp)

Gene: APC (APC regulator of Wnt signaling pathway; plus strand). Cytogenetic location: 5q22.2.
Variant type: single nucleotide variant.
Coding change: c.7079G>A on transcript NM_000038.6 (MANE Select); coding-DNA position 7079, G replaced by A.
Protein change: p.Gly2360Asp; replaces glycine 2360 with aspartic acid.
Molecular consequence: missense variant.
Genome position (GRCh38, 1-based): chr5:112,842,673, G>A. VCF-style: chr5-112842673-G-A. GRCh37 (hg19) VCF-style: chr5-112178370-G-A.
Other names: c.7079G>A, p.Gly2360Asp (NM_001127510.3, NM_001354895.2); c.7025G>A, p.Gly2342Asp (NM_001127511.3); c.7133G>A, p.Gly2378Asp (NM_001354896.2); c.7109G>A, p.Gly2370Asp (NM_001354897.2); c.7004G>A, p.Gly2335Asp (NM_001354898.2); c.6995G>A, p.Gly2332Asp (NM_001354899.2); c.6956G>A, p.Gly2319Asp (NM_001354900.2); c.6902G>A, p.Gly2301Asp (NM_001354901.2); and 5 more; short protein forms G2077D, G2301D, G2319D, G2332D, G2370D, G2234D, G2360D, G2378D.
Identifiers: ClinVar variation 919219 (VCV000919219.18), dbSNP rs750960862, ClinGen allele CA16036753.